The following is an entry in ClinVar:

ClinVar aggregate classification (germline): Uncertain significance. Review status: criteria provided, multiple submitters, no conflicts (2 of 4 stars). 2 submissions from 2 submitters: Uncertain significance (2). Last evaluated 2025-11-05.

Allele frequency attached by ClinVar (database versions not stated): TOPMed 0.00001; gnomAD 0.00002; gnomAD exomes 0.00003 and 0.00004; ExAC 0.00007.

Submissions (2):

Labcorp Genetics (formerly Invitae), Labcorp
Classification: Uncertain significance. Last evaluated: 2025-11-05. Review status: criteria provided, single submitter. Criteria: Invitae Variant Classification Sherloc (09022015). Collection method: clinical testing. Allele origin: germline.
Comment: This sequence change replaces glycine, which is neutral and non-polar, with glutamic acid, which is acidic and polar, at codon 541 of the SEMA4A protein (p.Gly541Glu). This variant is present in population databases (rs759493011, gnomAD 0.03%). This variant has not been reported in the literature in individuals affected with SEMA4A-related conditions. ClinVar contains an entry for this variant (Variation ID: 1429570). Invitae Evidence Modeling of protein sequence and biophysical properties (such as structural, functional, and spatial information, amino acid conservation, physicochemical variation, residue mobility, and thermodynamic stability) indicates that this missense variant is not expected to disrupt SEMA4A protein function with a negative predictive value of 80%. In summary, the available evidence is currently insufficient to determine the role of this variant in disease. Therefore, it has been classified as a Variant of Uncertain Significance.

Blueprint Genetics
Classification: Uncertain significance. Last evaluated: 2024-10-23. Review status: criteria provided, single submitter. Criteria: ACMG Guidelines, 2015. Collection method: clinical testing. Allele origin: germline.

NM_022367.4(SEMA4A):c.1622G>A (p.Gly541Glu)

Gene: SEMA4A (semaphorin 4A; plus strand). Cytogenetic location: 1q22.
Variant type: single nucleotide variant.
Coding change: c.1622G>A on transcript NM_022367.4 (MANE Select); coding-DNA position 1622, G replaced by A.
Protein change: p.Gly541Glu; replaces glycine 541 with glutamic acid.
Molecular consequence: missense variant.
Genome position (GRCh38, 1-based): chr1:156,175,585, G>A. VCF-style: chr1-156175585-G-A. GRCh37 (hg19) VCF-style: chr1-156145376-G-A.
Other names: c.1622G>A, p.Gly541Glu (NM_001193300.2, NM_001193301.2, NM_001370567.1); c.1226G>A, p.Gly409Glu (NM_001193302.2); c.1325G>A, p.Gly442Glu (NM_001370568.1); c.1115G>A, p.Gly372Glu (NM_001370569.1, NM_001370571.1); short protein forms G442E, G372E, G409E, G541E.
Identifiers: ClinVar variation 1429570 (VCV001429570.7), dbSNP rs759493011, ClinGen allele CA1155422.